The following is an entry in ClinVar:

NM_006767.4(LZTR1):c.1786-2A>C

Gene: LZTR1 (leucine zipper like post translational regulator 1; plus strand). Cytogenetic location: 22q11.21.
Variant type: single nucleotide variant.
Coding change: c.1786-2A>C on transcript NM_006767.4 (MANE Select); the canonical splice acceptor site of the intron before coding-DNA position 1786, A replaced by C.
Molecular consequence: splice acceptor variant.
Genome position (GRCh38, 1-based): chr22:20,994,868, A>C. VCF-style: chr22-20994868-A-C. GRCh37 (hg19) VCF-style: chr22-21349157-A-C.
Identifiers: ClinVar variation 1780090 (VCV001780090.8), dbSNP rs2147968271, ClinGen allele CA410778441.

ClinVar aggregate classification (germline): Conflicting classifications of pathogenicity. Review status: criteria provided, conflicting classifications (1 of 4 stars). 3 submissions from 3 submitters: Pathogenic (1); Uncertain significance (2). Last evaluated 2026-08-11.

Conditions:
LZTR1-related schwannomatosis. Also called: Schwannomatosis 2; Schwannomatosis-2, susceptibility to. Identifiers: Orphanet 93921, MedGen C3810283, MONDO:0014299, OMIM 615670.
Hereditary cancer-predisposing syndrome. Also called: Hereditary neoplastic syndrome; Neoplastic Syndromes, Hereditary; Tumor predisposition; Hereditary Cancer Syndrome. Identifiers: Orphanet 140162, MedGen C0027672, MeSH D009386, MONDO:0015356.
Cardiovascular phenotype. Identifiers: MedGen CN230736.

gnomAD v4.1: 1 of 1,613,140 alleles (0.000062%); highest among the groups gnomAD compares: Non-Finnish European, 0.000085%; no homozygotes.

Submissions (3):

Ambry Genetics
Classification: Uncertain significance for Cardiovascular phenotype; Hereditary cancer-predisposing syndrome. Last evaluated: 2026-08-11. Review status: criteria provided, single submitter. Criteria: Ambry Variant Classification Scheme 2023. Collection method: clinical testing. Allele origin: germline.
Comment: The c.1786-2A>C intronic variant results from an A to C substitution two nucleotides upstream from coding exon 16 in the LZTR1 gene. This nucleotide position is highly conserved in available vertebrate species. In silico splice site analysis predicts that this alteration will weaken the native splice acceptor site and may result in the creation or strengthening of a novel splice acceptor site. RNA studies have demonstrated that this alteration results in a transcript predicted to lead to a protein with an in-frame deletion of 15 amino acids; however, the exact functional impact of the deleted amino acids is unknown at this time (Ambry internal data). Based on the available evidence, the clinical significance of this variant remains unclear.

Labcorp Genetics (formerly Invitae), Labcorp
Classification: Pathogenic. Last evaluated: 2025-01-15. Review status: criteria provided, single submitter. Criteria: Invitae Variant Classification Sherloc (09022015). Collection method: clinical testing. Allele origin: germline.
Comment: This sequence change affects an acceptor splice site in intron 15 of the LZTR1 gene. It is expected to disrupt RNA splicing. Variants that disrupt the donor or acceptor splice site typically lead to a loss of protein function (PMID: 16199547), and loss-of-function variants in LZTR1 are known to be pathogenic (PMID: 24362817, 25335493, 25480913, 25795793, 29469822, 30368668, 30442762, 30442766, 30481304, 30859559). This variant is not present in population databases (gnomAD no frequency). Disruption of this splice site has been observed in individuals with clinical features of schwannomatosis (PMID: 29384852; internal data). ClinVar contains an entry for this variant (Variation ID: 1780090). Algorithms developed to predict the effect of sequence changes on RNA splicing suggest that this variant may disrupt the consensus splice site. For these reasons, this variant has been classified as Pathogenic.

Juno Genomics, Hangzhou Juno Genomics, Inc
Classification: Uncertain significance for LZTR1-related schwannomatosis. Review status: criteria provided, single submitter. Criteria: ACMG Guidelines, 2015. Collection method: clinical testing. Allele origin: germline.
Comment: Null variant in a gene where loss of function (LOF) is a known mechanism of disease.;Absent from controls (or at extremely low frequency if recessive) in Genome Aggregation Database.

Literature cited by the submitters: PubMed 16199547 (cited by Labcorp Genetics (formerly Invitae), Labcorp); PubMed 24362817 (cited by Labcorp Genetics (formerly Invitae), Labcorp); PubMed 25335493 (cited by Labcorp Genetics (formerly Invitae), Labcorp); PubMed 25480913 (cited by Labcorp Genetics (formerly Invitae), Labcorp); PubMed 25795793 (cited by Labcorp Genetics (formerly Invitae), Labcorp); PubMed 29469822 (cited by Labcorp Genetics (formerly Invitae), Labcorp); PubMed 30368668 (cited by Labcorp Genetics (formerly Invitae), Labcorp); PubMed 30442762 (cited by Labcorp Genetics (formerly Invitae), Labcorp); PubMed 30442766 (cited by Labcorp Genetics (formerly Invitae), Labcorp); PubMed 30481304 (cited by Labcorp Genetics (formerly Invitae), Labcorp); PubMed 30859559 (cited by Labcorp Genetics (formerly Invitae), Labcorp); PubMed 29384852 (cited by Labcorp Genetics (formerly Invitae), Labcorp).